The following is an entry in ClinVar:

NM_001042492.3(NF1):c.2939C>T (p.Ser980Phe)

Gene: NF1 (neurofibromin 1; plus strand). Cytogenetic location: 17q11.2.
Variant type: single nucleotide variant.
Coding change: c.2939C>T on transcript NM_001042492.3 (MANE Select); coding-DNA position 2939, C replaced by T.
Protein change: p.Ser980Phe; replaces serine 980 with phenylalanine.
Molecular consequence: missense variant.
Genome position (GRCh38, 1-based): chr17:31,229,923, C>T. VCF-style: chr17-31229923-C-T. GRCh37 (hg19) VCF-style: chr17-29556941-C-T.
Other names: c.2939C>T, p.Ser980Phe (NM_000267.4); short protein forms S980F.
Identifiers: ClinVar variation 971657 (VCV000971657.6), dbSNP rs2067084275, ClinGen allele CA398986273.

ClinVar aggregate classification (germline): Uncertain significance (1 of 4 stars; one submission).

Conditions:
Neurofibromatosis, type 1 (NF1). Also called: Neurofibromatosis, type I; Peripheral type neurofibromatosis; VON RECKLINGHAUSEN DISEASE; NEUROFIBROMATOSIS, TYPE I, SOMATIC. Identifiers: Orphanet 636, MedGen C0027831, MONDO:0018975, OMIM 162200. Disease mechanism: loss of function.

Submission:

Labcorp Genetics (formerly Invitae), Labcorp
Classification: Uncertain significance for Neurofibromatosis, type 1. Last evaluated: 2024-09-12. Review status: criteria provided, single submitter. Criteria: Invitae Variant Classification Sherloc (09022015). Collection method: clinical testing. Allele origin: germline.
Comment: This sequence change replaces serine, which is neutral and polar, with phenylalanine, which is neutral and non-polar, at codon 980 of the NF1 protein (p.Ser980Phe). This variant is not present in population databases (gnomAD no frequency). This variant has not been reported in the literature in individuals affected with NF1-related conditions. ClinVar contains an entry for this variant (Variation ID: 971657). Invitae Evidence Modeling of protein sequence and biophysical properties (such as structural, functional, and spatial information, amino acid conservation, physicochemical variation, residue mobility, and thermodynamic stability) indicates that this missense variant is expected to disrupt NF1 protein function with a positive predictive value of 95%. In summary, the available evidence is currently insufficient to determine the role of this variant in disease. Therefore, it has been classified as a Variant of Uncertain Significance.